The following is an entry in ClinVar:

NM_006496.4(GNAI3):c.224G>A (p.Ser75Asn)

Gene: GNAI3 (G protein subunit alpha i3; plus strand). Cytogenetic location: 1p13.3.
Variant type: single nucleotide variant.
Coding change: c.224G>A on transcript NM_006496.4 (MANE Select); coding-DNA position 224, G replaced by A.
Protein change: p.Ser75Asn; replaces serine 75 with asparagine.
Molecular consequence: missense variant.
Genome position (GRCh38, 1-based): chr1:109,573,958, G>A. VCF-style: chr1-109573958-G-A. GRCh37 (hg19) VCF-style: chr1-110116580-G-A.
Other names: short protein forms S75N.
Identifiers: ClinVar variation 3365236 (VCV003365236.1).

ClinVar aggregate classification (germline): Uncertain significance (1 of 4 stars; one submission).

gnomAD v4.1: 1 of 1,606,182 alleles (0.000062%); highest among the groups gnomAD compares: Non-Finnish European, 0.000085%; no homozygotes.

Submission:

GeneDx
Classification: Uncertain significance. Last evaluated: 2023-12-06. Review status: criteria provided, single submitter. Criteria: GeneDx Variant Classification Process June 2021. Collection method: clinical testing. Allele origin: germline. Affected: yes.
Comment: Not observed at significant frequency in large population cohorts (gnomAD); In silico analysis supports that this missense variant does not alter protein structure/function; Has not been previously published as pathogenic or benign to our knowledge